The following is an entry in ClinVar:

NM_004370.6(COL12A1):c.6152C>T (p.Pro2051Leu)

Gene: COL12A1 (collagen type XII alpha 1 chain; minus strand). Cytogenetic location: 6q13.
Variant type: single nucleotide variant.
Coding change: c.6152C>T on transcript NM_004370.6 (MANE Select); coding-DNA position 6152, C replaced by T.
Protein change: p.Pro2051Leu; replaces proline 2051 with leucine.
Molecular consequence: missense variant.
Genome position (GRCh38, 1-based): chr6:75,130,149, G>A on the plus strand (C>T on the coding strand, the complement: COL12A1 is on the minus strand). VCF-style: chr6-75130149-G-A. GRCh37 (hg19) VCF-style: chr6-75839865-G-A.
Other names: c.2660C>T, p.Pro887Leu (NM_080645.3); short protein forms P2051L, P887L.
Identifiers: ClinVar variation 1060919 (VCV001060919.9), dbSNP rs373325814, ClinGen allele CA140986893.

ClinVar aggregate classification (germline): Uncertain significance (1 of 4 stars; one submission).

Conditions:
Ullrich congenital muscular dystrophy 2 (UCMD2). Identifiers: Orphanet 75840, MedGen C4225314, MONDO:0014654, OMIM 616470.
Bethlem myopathy 2 (BTHLM2). Identifiers: Orphanet 536516, Orphanet 610, MedGen C4225313, MONDO:0034022, OMIM 616471.

Allele frequency attached by ClinVar (database versions not stated): gnomAD 0.00001; TOPMed below 0.00001.
gnomAD v4.1: 2 of 1,613,970 alleles (0.00012%); highest among the groups gnomAD compares: East Asian, 0.0022%; no homozygotes.

Submission:

Labcorp Genetics (formerly Invitae), Labcorp
Classification: Uncertain significance for Bethlem myopathy 2; Ullrich congenital muscular dystrophy 2. Last evaluated: 2025-09-16. Review status: criteria provided, single submitter. Criteria: Invitae Variant Classification Sherloc (09022015). Collection method: clinical testing. Allele origin: germline.
Comment: This sequence change replaces proline, which is neutral and non-polar, with leucine, which is neutral and non-polar, at codon 2051 of the COL12A1 protein (p.Pro2051Leu). This variant is not present in population databases (gnomAD no frequency). This variant has not been reported in the literature in individuals affected with COL12A1-related conditions. ClinVar contains an entry for this variant (Variation ID: 1060919). Invitae Evidence Modeling of protein sequence and biophysical properties (such as structural, functional, and spatial information, amino acid conservation, physicochemical variation, residue mobility, and thermodynamic stability) indicates that this missense variant is not expected to disrupt COL12A1 protein function with a negative predictive value of 80%. In summary, the available evidence is currently insufficient to determine the role of this variant in disease. Therefore, it has been classified as a Variant of Uncertain Significance.